The following is an entry in ClinVar:

ClinVar aggregate classification (germline): Uncertain significance. Review status: criteria provided, multiple submitters, no conflicts (2 of 4 stars). 2 submissions from 2 submitters: Uncertain significance (2). Last evaluated 2024-08-02.

gnomAD v4.1: 2 of 1,612,968 alleles (0.00012%); highest among the groups gnomAD compares: African/African-American, 0.0013%; no homozygotes.

Submissions (2):

Women's Health and Genetics/Laboratory Corporation of America, LabCorp
Classification: Uncertain significance. Last evaluated: 2024-08-02. Review status: criteria provided, single submitter. Criteria: LabCorp Variant Classification Summary - May 2015. Collection method: clinical testing. Allele origin: germline.

Labcorp Genetics (formerly Invitae), Labcorp
Classification: Uncertain significance. Last evaluated: 2022-03-23. Review status: criteria provided, single submitter. Criteria: Invitae Variant Classification Sherloc (09022015). Collection method: clinical testing. Allele origin: germline.
Comment: This sequence change replaces arginine, which is basic and polar, with leucine, which is neutral and non-polar, at codon 560 of the OCA2 protein (p.Arg560Leu). This variant is not present in population databases (gnomAD no frequency). This variant has not been reported in the literature in individuals affected with OCA2-related conditions. Advanced modeling of protein sequence and biophysical properties (such as structural, functional, and spatial information, amino acid conservation, physicochemical variation, residue mobility, and thermodynamic stability) performed at Invitae indicates that this missense variant is not expected to disrupt OCA2 protein function. In summary, the available evidence is currently insufficient to determine the role of this variant in disease. Therefore, it has been classified as a Variant of Uncertain Significance.

NM_000275.3(OCA2):c.1679G>T (p.Arg560Leu)

Gene: OCA2 (OCA2 melanosomal transmembrane protein; minus strand). Cytogenetic location: 15q13.1.
Variant type: single nucleotide variant.
Coding change: c.1679G>T on transcript NM_000275.3 (MANE Select); coding-DNA position 1679, G replaced by T.
Protein change: p.Arg560Leu; replaces arginine 560 with leucine.
Molecular consequence: missense variant.
Genome position (GRCh38, 1-based): chr15:27,957,693, C>A on the plus strand (G>T on the coding strand, the complement: OCA2 is on the minus strand). VCF-style: chr15-27957693-C-A. GRCh37 (hg19) VCF-style: chr15-28202839-C-A.
Other names: c.1607G>T, p.Arg536Leu (NM_001300984.2); short protein forms R560L, R536L.
Identifiers: ClinVar variation 1375487 (VCV001375487.6), dbSNP rs35110389, ClinGen allele CA391365938.